The following is an entry in ClinVar:

NC_000019.9:g.(?_54625219)_(54630012_?)del

Gene: PRPF31 (pre-mRNA processing factor 31; plus strand). Cytogenetic location: 19q13.42.
Variant type: Deletion.
Identifiers: ClinVar variation 2426198 (VCV002426198.5).

ClinVar aggregate classification (germline): Pathogenic (1 of 4 stars; one submission).

Submission:

Labcorp Genetics (formerly Invitae), Labcorp
Classification: Pathogenic. Last evaluated: 2022-09-12. Review status: criteria provided, single submitter. Criteria: Invitae Variant Classification Sherloc (09022015). Collection method: clinical testing. Allele origin: germline.
Comment: For these reasons, this variant has been classified as Pathogenic. This variant has not been reported in the literature in individuals affected with PRPF31-related conditions. This variant is a gross deletion of the genomic region encompassing exon(s) 4-9 of the PRPF31 gene. This deletion is out-of-frame, and is expected to create a premature termination codon and result in an absent or disrupted protein product. Loss-of-function variants in PRPF31 are known to be pathogenic (PMID: 18317597, 23950152).

Literature cited by the submitters: PubMed 18317597; PubMed 23950152.